The following is an entry in ClinVar:

ClinVar aggregate classification (germline): Uncertain significance (1 of 4 stars; one submission).

Conditions:
Charcot-Marie-Tooth Neuropathy X. Identifiers: MedGen CN118851.

Submission:

Labcorp Genetics (formerly Invitae), Labcorp
Classification: Uncertain significance for Charcot-Marie-Tooth Neuropathy X. Last evaluated: 2024-08-01. Review status: criteria provided, single submitter. Criteria: Invitae Variant Classification Sherloc (09022015). Collection method: clinical testing. Allele origin: germline.
Comment: This sequence change replaces leucine, which is neutral and non-polar, with phenylalanine, which is neutral and non-polar, at codon 15 of the PRPS1 protein (p.Leu15Phe). This variant is not present in population databases (gnomAD no frequency). This variant has not been reported in the literature in individuals affected with PRPS1-related conditions. Advanced modeling of protein sequence and biophysical properties (such as structural, functional, and spatial information, amino acid conservation, physicochemical variation, residue mobility, and thermodynamic stability) performed at Invitae indicates that this missense variant is not expected to disrupt PRPS1 protein function with a negative predictive value of 80%. In summary, the available evidence is currently insufficient to determine the role of this variant in disease. Therefore, it has been classified as a Variant of Uncertain Significance.

NM_002764.4(PRPS1):c.45A>C (p.Leu15Phe)

Gene: PRPS1 (phosphoribosyl pyrophosphate synthetase 1; plus strand). Cytogenetic location: Xq22.3.
Variant type: single nucleotide variant.
Coding change: c.45A>C on transcript NM_002764.4 (MANE Select); coding-DNA position 45, A replaced by C.
Protein change: p.Leu15Phe; replaces leucine 15 with phenylalanine.
Molecular consequence: missense variant. On other transcripts: 5 prime UTR variant (1).
Genome position (GRCh38, 1-based): chrX:107,628,673, A>C. VCF-style: chrX-107628673-A-C. GRCh37 (hg19) VCF-style: chrX-106871903-A-C.
Other names: c.-160A>C (NM_001204402.2); short protein forms L15F.
Identifiers: ClinVar variation 3661222 (VCV003661222.2).